The following is an entry in ClinVar:

ClinVar aggregate classification (germline): Pathogenic (1 of 4 stars; one submission).

Submission:

Labcorp Genetics (formerly Invitae), Labcorp
Classification: Pathogenic. Last evaluated: 2019-05-26. Review status: criteria provided, single submitter. Criteria: Invitae Variant Classification Sherloc (09022015). Collection method: clinical testing. Allele origin: germline.
Comment: For these reasons, this variant has been classified as Pathogenic. Loss-of-function variants in ELP1 are known to be pathogenic (PMID: 18303054, 24173031). This variant has not been reported in the literature in individuals with ELP1-related conditions. This variant is not present in population databases (ExAC no frequency). This sequence change creates a premature translational stop signal (p.Ile159Tyrfs*7) in the ELP1 gene. It is expected to result in an absent or disrupted protein product.

Literature cited by the submitters: PubMed 18303054; PubMed 24173031.

NM_003640.5(ELP1):c.474dup (p.Ile159fs)

Gene: ELP1 (elongator acetyltransferase complex subunit 1; minus strand). Cytogenetic location: 9q31.3.
Variant type: Duplication.
Coding change: c.474dup on transcript NM_003640.5 (MANE Select); coding-DNA position 474, one base duplicated (T; older notation c.474dupT).
Protein change: p.Ile159fs; shifts the reading frame from isoleucine 159.
Molecular consequence: frameshift variant. On other transcripts: 5 prime UTR variant (1).
Genome position (GRCh38, 1-based): chr9:108,922,920, A duplicated on the plus strand (T on the coding strand, the reverse complement: ELP1 is on the minus strand); the first of 3 consecutive A bases (chr9:108,922,920-108,922,922); duplicating any one gives the same sequence. VCF-style (leftmost placement, unchanged base first): chr9-108922919-T-TA. GRCh37 (hg19) VCF-style: chr9-111685199-T-TA.
Other names: c.132dup, p.Ile45fs (NM_001318360.2); c.-386dup (NM_001330749.2); short protein forms I45fs, I159fs.
Identifiers: ClinVar variation 933552 (VCV000933552.7), dbSNP rs1829700782, ClinGen allele CA1139661109.
Genomic context (GRCh38, chr9:108,922,919, plus strand): 5'-CTGCTTGTCTGCCTTCTGATCCATGGAACTGTGTCTCCTTCCTACCCCATCCAACAGTGA[T>TA]AAACTTGCCTACAGAACAATTGGCAAGACAACTAATAAGCCACATGAAATGAAACAAAAA-3'